The following is an entry in ClinVar:

NM_004448.4(ERBB2):c.1487C>T (p.Thr496Ile)

Gene: ERBB2 (erb-b2 receptor tyrosine kinase 2; plus strand). Cytogenetic location: 17q12.
Variant type: single nucleotide variant.
Coding change: c.1487C>T on transcript NM_004448.4 (MANE Select); coding-DNA position 1487, C replaced by T.
Protein change: p.Thr496Ile; replaces threonine 496 with isoleucine.
Molecular consequence: missense variant. On other transcripts: non-coding transcript variant (1), intron variant (1).
Genome position (GRCh38, 1-based): chr17:39,715,913, C>T. VCF-style: chr17-39715913-C-T. GRCh37 (hg19) VCF-style: chr17-37872166-C-T.
Other names: c.1397C>T, p.Thr466Ile (NM_001005862.3, NM_001289938.2, NM_001382782.1 and 1 more transcripts); c.1442C>T, p.Thr481Ile (NM_001289936.2); c.1487C>T, p.Thr496Ile (NM_001289937.2, NM_001382785.1, NM_001382788.1 and 12 more transcripts); c.1604C>T, p.Thr535Ile (NM_001382784.1, NM_001382786.1); c.1562C>T, p.Thr521Ile (NM_001382787.1); c.1508C>T, p.Thr503Ile (NM_001382789.1); c.1478C>T, p.Thr493Ile (NM_001382791.1); c.1222+554C>T (NM_001382806.1); and 3 more; short protein forms T496I, T436I, T493I, T521I, T535I, T410I, T220I, T503I.
Identifiers: ClinVar variation 2721956 (VCV002721956.3), dbSNP rs767978749, ClinGen allele CA8533991.

ClinVar aggregate classification (germline): Uncertain significance (1 of 4 stars; one submission).

Allele frequency attached by ClinVar (database versions not stated): TOPMed 0.00002; gnomAD exomes 0.00001; gnomAD 0.00001; ExAC 0.00005.
gnomAD v4.1: 8 of 1,611,292 alleles (0.0005%); highest among the groups gnomAD compares: Admixed American, 0.013%; no homozygotes.

Submission:

Labcorp Genetics (formerly Invitae), Labcorp
Classification: Uncertain significance. Last evaluated: 2025-04-06. Review status: criteria provided, single submitter. Criteria: Invitae Variant Classification Sherloc (09022015). Collection method: clinical testing. Allele origin: germline.
Comment: This sequence change replaces threonine, which is neutral and polar, with isoleucine, which is neutral and non-polar, at codon 496 of the ERBB2 protein (p.Thr496Ile). This variant is present in population databases (rs767978749, gnomAD 0.02%). This variant has not been reported in the literature in individuals affected with ERBB2-related conditions. ClinVar contains an entry for this variant (Variation ID: 2721956). An algorithm developed to predict the effect of missense changes on protein structure and function (PolyPhen-2) suggests that this variant is likely to be tolerated. In summary, the available evidence is currently insufficient to determine the role of this variant in disease. Therefore, it has been classified as a Variant of Uncertain Significance.